The following is an entry in ClinVar:

NM_015425.6(POLR1A):c.2896T>C (p.Phe966Leu)

Genes: POLR1A (RNA polymerase I subunit A; minus strand), LOC126806263 (BRD4-independent group 4 enhancer GRCh37_chr2:86272354-86273553; plus strand). Cytogenetic location: 2p11.2.
Variant type: single nucleotide variant.
Coding change: c.2896T>C on transcript NM_015425.6 (MANE Select); coding-DNA position 2896, T replaced by C.
Protein change: p.Phe966Leu; replaces phenylalanine 966 with leucine.
Molecular consequence: missense variant.
Genome position (GRCh38, 1-based): chr2:86,045,351, A>G on the plus strand (T>C on the coding strand, the complement: POLR1A is on the minus strand). VCF-style: chr2-86045351-A-G. GRCh37 (hg19) VCF-style: chr2-86272474-A-G.
Other names: short protein forms F966L.
Identifiers: ClinVar variation 4741366 (VCV004741366.1).

ClinVar aggregate classification (germline): Uncertain significance (1 of 4 stars; one submission).

Submission:

Labcorp Genetics (formerly Invitae), Labcorp
Classification: Uncertain significance. Last evaluated: 2025-03-09. Review status: criteria provided, single submitter. Criteria: Invitae Variant Classification Sherloc (09022015). Collection method: clinical testing. Allele origin: germline.
Comment: This sequence change replaces phenylalanine, which is neutral and non-polar, with leucine, which is neutral and non-polar, at codon 966 of the POLR1A protein (p.Phe966Leu). This variant is not present in population databases (gnomAD no frequency). This variant has not been reported in the literature in individuals affected with POLR1A-related conditions. Invitae Evidence Modeling of protein sequence and biophysical properties (such as structural, functional, and spatial information, amino acid conservation, physicochemical variation, residue mobility, and thermodynamic stability) indicates that this missense variant is expected to disrupt POLR1A protein function with a positive predictive value of 80%. In summary, the available evidence is currently insufficient to determine the role of this variant in disease. Therefore, it has been classified as a Variant of Uncertain Significance.